The following is an entry in ClinVar:

NM_000784.4(CYP27A1):c.1095G>A (p.Val365=)

Gene: CYP27A1 (cytochrome P450 family 27 subfamily A member 1; plus strand). Cytogenetic location: 2q35.
Variant type: single nucleotide variant.
Coding change: c.1095G>A on transcript NM_000784.4 (MANE Select); coding-DNA position 1095, G replaced by A.
Protein change: p.Val365=; no amino-acid change (valine 365 retained).
Molecular consequence: synonymous variant.
Genome position (GRCh38, 1-based): chr2:218,814,098, G>A. VCF-style: chr2-218814098-G-A. GRCh37 (hg19) VCF-style: chr2-219678821-G-A.
Other names: c.1095G>A (NM_000784.3).
Identifiers: ClinVar variation 1658157 (VCV001658157.10), dbSNP rs1045010358, ClinGen allele CA65834632.
Genomic context (GRCh38, chr2:218,814,098, plus strand): 5'-ATGGGCCCTGTACCACCTCTCAAAGGACCCTGAGATCCAGGAGGCCTTGCACGAGGAAGT[G>A]GTGGGTGTGGTGCCAGCCGGGCAAGTGCCCCAGCACAAGGACTTTGCCCACATGCCGTTG-3'
Protein context (NP_000775.1, residues 355-375): PEIQEALHEE[Val365=]VGVVPAGQVP

ClinVar aggregate classification (germline): Likely benign. Review status: criteria provided, multiple submitters, no conflicts (2 of 4 stars). 3 submissions from 3 submitters: Likely benign (3). Last evaluated 2025-07-15.

Conditions:
Cholestanol storage disease (CTX). Also called: CEREBRAL CHOLESTERINOSIS; CTX: Cerebrotendinous xanthomatosis; Cerebrotendinous Xanthomatosis. Identifiers: Orphanet 909, MedGen C0238052, MONDO:0008948, OMIM 213700.
CYP27A1-related disorder. Also called: CYP27A1-related condition.
Cardiovascular phenotype. Identifiers: MedGen CN230736.

Allele frequency attached by ClinVar (database versions not stated): TOPMed below 0.00001.

Submissions (3):

Ambry Genetics
Classification: Likely benign for Cardiovascular phenotype. Last evaluated: 2025-07-15. Review status: criteria provided, single submitter. Criteria: Ambry Variant Classification Scheme 2023. Collection method: clinical testing. Allele origin: germline.

PreventionGenetics, part of Exact Sciences
Classification: Likely benign for CYP27A1-related condition. Last evaluated: 2025-04-22. Review status: criteria provided, single submitter. Criteria: ACMG Guidelines, 2015. Collection method: clinical testing. Allele origin: germline.
Comment: This variant is classified as likely benign based on ACMG/AMP sequence variant interpretation guidelines (Richards et al. 2015 PMID: 25741868, with internal and published modifications).

Labcorp Genetics (formerly Invitae), Labcorp
Classification: Likely benign for Cholestanol storage disease. Last evaluated: 2024-09-25. Review status: criteria provided, single submitter. Criteria: Invitae Variant Classification Sherloc (09022015). Collection method: clinical testing. Allele origin: germline.